The following is an entry in ClinVar:

ClinVar aggregate classification (germline): Benign (1 of 4 stars; one submission).

Allele frequency attached by ClinVar (database versions not stated): gnomAD exomes 0.00252; gnomAD 0.02688 and 0.02882; TOPMed 0.02952; 1000 Genomes Project 0.03035; 1000 Genomes Project 30x 0.03045.
gnomAD v4.1: 7,873 of 1,605,506 alleles (0.49%); highest among the groups gnomAD compares: African/African-American, 9.4%; 332 homozygotes.

Submission:

GeneDx
Classification: Benign. Last evaluated: 2018-06-16. Review status: criteria provided, single submitter. Criteria: GeneDx Variant Classification (06012015). Collection method: clinical testing. Allele origin: germline. Affected: yes.
Comment: This variant is considered likely benign or benign based on one or more of the following criteria: it is a conservative change, it occurs at a poorly conserved position in the protein, it is predicted to be benign by multiple in silico algorithms, and/or has population frequency not consistent with disease.

NM_182961.4(SYNE1):c.25120-60G>A

Gene: SYNE1 (spectrin repeat containing nuclear envelope protein 1; minus strand). Cytogenetic location: 6q25.2.
Variant type: single nucleotide variant.
Coding change: c.25120-60G>A on transcript NM_182961.4 (MANE Select); 60 bases into the intron before coding-DNA position 25120, G replaced by A.
Molecular consequence: intron variant.
Genome position (GRCh38, 1-based): chr6:152,141,389, C>T on the plus strand (G>A on the coding strand, the complement: SYNE1 is on the minus strand). VCF-style: chr6-152141389-C-T. GRCh37 (hg19) VCF-style: chr6-152462524-C-T.
Other names: c.24976-60G>A (NM_033071.5); c.1726-60G>A (NM_001347701.2); c.1654-60G>A (NM_001347702.2).
Identifiers: ClinVar variation 674411 (VCV000674411.1), dbSNP rs73780335, ClinGen allele CA150166922.
Genomic context (GRCh38, chr6:152,141,389, plus strand): 5'-TCTGTTTAGACATAAACAACCGGCCCCTGTCACCCAAATCTTCATGAGTGCAAAAGCTTC[C>T]GGGGAAAATCTCTTTGTAATTTCTCAGCAAGAGAAGTGTCTGTGTTTGGCTCCTCTGTGC-3'